The following is an entry in ClinVar:

NM_152594.3(SPRED1):c.1229T>C (p.Leu410Ser)

Gene: SPRED1 (sprouty related EVH1 domain containing 1; plus strand). Cytogenetic location: 15q14.
Variant type: single nucleotide variant.
Coding change: c.1229T>C on transcript NM_152594.3 (MANE Select); coding-DNA position 1229, T replaced by C.
Protein change: p.Leu410Ser; replaces leucine 410 with serine.
Molecular consequence: missense variant.
Genome position (GRCh38, 1-based): chr15:38,351,558, T>C. VCF-style: chr15-38351558-T-C. GRCh37 (hg19) VCF-style: chr15-38643759-T-C.
Other names: short protein forms L410S.
Identifiers: ClinVar variation 3343473 (VCV003343473.2).

ClinVar aggregate classification (germline): Uncertain significance. Review status: criteria provided, multiple submitters, no conflicts (2 of 4 stars). 2 submissions from 2 submitters: Uncertain significance (2). Last evaluated 2025-11-25.

Conditions:
Cardiovascular phenotype. Identifiers: MedGen CN230736.

gnomAD v4.1: 1 of 1,614,026 alleles (0.000062%); highest among the groups gnomAD compares: Admixed American, 0.0017%; no homozygotes.

Submissions (2):

Ambry Genetics
Classification: Uncertain significance for Cardiovascular phenotype. Last evaluated: 2025-11-25. Review status: criteria provided, single submitter. Criteria: Ambry Variant Classification Scheme 2023. Collection method: clinical testing. Allele origin: germline.
Comment: The p.L410S variant (also known as c.1229T>C), located in coding exon 7 of the SPRED1 gene, results from a T to C substitution at nucleotide position 1229. The leucine at codon 410 is replaced by serine, an amino acid with dissimilar properties. This amino acid position is conserved. In addition, this alteration is predicted to be deleterious by in silico analysis. Based on the available evidence, the clinical significance of this variant remains unclear.

GeneDx
Classification: Uncertain significance. Last evaluated: 2023-05-15. Review status: criteria provided, single submitter. Criteria: GeneDx Variant Classification Process June 2021. Collection method: clinical testing. Allele origin: germline. Affected: yes.
Comment: Not observed at significant frequency in large population cohorts (gnomAD); In silico analysis supports that this missense variant has a deleterious effect on protein structure/function; Has not been previously published as pathogenic or benign to our knowledge